The following is an entry in ClinVar:

NM_015909.4(NBAS):c.4292C>T (p.Ala1431Val)

Gene: NBAS (NBAS subunit of NRZ tethering complex; minus strand). Cytogenetic location: 2p24.3.
Variant type: single nucleotide variant.
Coding change: c.4292C>T on transcript NM_015909.4 (MANE Select); coding-DNA position 4292, C replaced by T.
Protein change: p.Ala1431Val; replaces alanine 1431 with valine.
Molecular consequence: missense variant. On other transcripts: non-coding transcript variant (1).
Genome position (GRCh38, 1-based): chr2:15,330,653, G>A on the plus strand (C>T on the coding strand, the complement: NBAS is on the minus strand). VCF-style: chr2-15330653-G-A. GRCh37 (hg19) VCF-style: chr2-15470777-G-A.
Other names: short protein forms A1431V.
Identifiers: ClinVar variation 1444412 (VCV001444412.3), dbSNP rs1489014472, ClinGen allele CA345881499.

ClinVar aggregate classification (germline): Uncertain significance (1 of 4 stars; one submission).

Allele frequency attached by ClinVar (database versions not stated): gnomAD exomes below 0.00001; TOPMed 0.00002.
gnomAD v4.1: 1 of 1,614,050 alleles (0.000062%); highest among the groups gnomAD compares: Non-Finnish European, 0.000085%; no homozygotes.

Submission:

Labcorp Genetics (formerly Invitae), Labcorp
Classification: Uncertain significance. Last evaluated: 2021-10-10. Review status: criteria provided, single submitter. Criteria: Invitae Variant Classification Sherloc (09022015). Collection method: clinical testing. Allele origin: germline.
Comment: This sequence change replaces alanine with valine at codon 1431 of the NBAS protein (p.Ala1431Val). The alanine residue is highly conserved and there is a small physicochemical difference between alanine and valine. This variant is not present in population databases (ExAC no frequency). This variant has not been reported in the literature in individuals affected with NBAS-related conditions. Algorithms developed to predict the effect of missense changes on protein structure and function are either unavailable or do not agree on the potential impact of this missense change (SIFT: "Deleterious"; PolyPhen-2: "Benign"; Align-GVGD: "Class C55"). In summary, the available evidence is currently insufficient to determine the role of this variant in disease. Therefore, it has been classified as a Variant of Uncertain Significance.